The following is an entry in ClinVar:

ClinVar aggregate classification (germline): Uncertain significance (1 of 4 stars; one submission).

Allele frequency attached by ClinVar (database versions not stated): TOPMed below 0.00001; gnomAD 0.00002.

Submission:

Labcorp Genetics (formerly Invitae), Labcorp
Classification: Uncertain significance. Last evaluated: 2022-12-06. Review status: criteria provided, single submitter. Criteria: Invitae Variant Classification Sherloc (09022015). Collection method: clinical testing. Allele origin: germline.
Comment: This sequence change replaces glycine, which is neutral and non-polar, with glutamic acid, which is acidic and polar, at codon 160 of the MTHFD1 protein (p.Gly160Glu). This variant is present in population databases (no rsID available, gnomAD 0.01%). In summary, the available evidence is currently insufficient to determine the role of this variant in disease. Therefore, it has been classified as a Variant of Uncertain Significance. Algorithms developed to predict the effect of sequence changes on RNA splicing suggest that this variant may create or strengthen a splice site. Algorithms developed to predict the effect of missense changes on protein structure and function (SIFT, PolyPhen-2, Align-GVGD) all suggest that this variant is likely to be tolerated. ClinVar contains an entry for this variant (Variation ID: 1369012). This variant has not been reported in the literature in individuals affected with MTHFD1-related conditions.

NM_005956.4(MTHFD1):c.479G>A (p.Gly160Glu)

Gene: MTHFD1 (methylenetetrahydrofolate dehydrogenase, cyclohydrolase and formyltetrahydrofolate synthetase 1; plus strand). Cytogenetic location: 14q23.3.
Variant type: single nucleotide variant.
Coding change: c.479G>A on transcript NM_005956.4 (MANE Select); coding-DNA position 479, G replaced by A.
Protein change: p.Gly160Glu; replaces glycine 160 with glutamic acid.
Molecular consequence: missense variant.
Genome position (GRCh38, 1-based): chr14:64,417,888, G>A. VCF-style: chr14-64417888-G-A. GRCh37 (hg19) VCF-style: chr14-64884606-G-A.
Other names: c.479G>A, p.Gly160Glu (NM_001364837.1); short protein forms G160E.
Identifiers: ClinVar variation 1369012 (VCV001369012.8), dbSNP rs780536570, ClinGen allele CA389975289.